The following is an entry in ClinVar:

NM_005901.6(SMAD2):c.705A>G (p.Gln235=)

Gene: SMAD2 (SMAD family member 2; minus strand). Cytogenetic location: 18q21.1.
Variant type: single nucleotide variant.
Coding change: c.705A>G on transcript NM_005901.6 (MANE Select); coding-DNA position 705, A replaced by G.
Protein change: p.Gln235=; no amino-acid change (glutamine 235 retained).
Molecular consequence: synonymous variant.
Genome position (GRCh38, 1-based): chr18:47,865,084, T>C on the plus strand (A>G on the coding strand, the complement: SMAD2 is on the minus strand). VCF-style: chr18-47865084-T-C. GRCh37 (hg19) VCF-style: chr18-45391455-T-C.
Other names: c.705A>G (NM_005901.5); c.705A>G, p.Gln235= (NM_001003652.4); c.615A>G, p.Gln205= (NM_001135937.3).
Identifiers: ClinVar variation 1623542 (VCV001623542.12), dbSNP rs149875839, ClinGen allele CA8956188.

ClinVar aggregate classification (germline): Likely benign. Review status: criteria provided, multiple submitters, no conflicts (2 of 4 stars). 3 submissions from 3 submitters: Likely benign (2). 1 of the submissions does not count toward it. Last evaluated 2026-02-01.

Conditions:
SMAD2-related disorder. Also called: SMAD2-related disorders; SMAD2-related condition.
Inborn genetic diseases. Identifiers: MedGen C0950123, MeSH D030342.

Allele frequency attached by ClinVar (database versions not stated): gnomAD exomes below 0.00001 and 0.00001; TOPMed below 0.00001; gnomAD 0.00001; ExAC 0.00002; ESP Exome Variant Server 0.00008.
gnomAD v4.1: 6 of 1,609,950 alleles (0.00037%); highest among the groups gnomAD compares: African/African-American, 0.0027%; no homozygotes.

Submissions (3):

Labcorp Genetics (formerly Invitae), Labcorp
Classification: Likely benign. Last evaluated: 2026-02-01. Review status: criteria provided, single submitter. Criteria: Invitae Variant Classification Sherloc (09022015). Collection method: clinical testing. Allele origin: germline.

Ambry Genetics
Classification: Likely benign for Inborn genetic diseases. Last evaluated: 2020-02-11. Review status: criteria provided, single submitter. Criteria: Ambry Variant Classification Scheme 2023. Collection method: clinical testing. Allele origin: germline.

PreventionGenetics, part of Exact Sciences
Classification: Likely benign for SMAD2-related condition. Last evaluated: 2021-04-29. Review status: no assertion criteria provided. Collection method: clinical testing. Allele origin: germline. Not counted in ClinVar's aggregate classification.
Comment: This variant is classified as likely benign based on ACMG/AMP sequence variant interpretation guidelines (Richards et al. 2015 PMID: 25741868, with internal and published modifications).